The following is an entry in ClinVar:

NM_000018.4(ACADVL):c.1552G>C (p.Gly518Arg)

Gene: ACADVL (acyl-CoA dehydrogenase very long chain; plus strand). Cytogenetic location: 17p13.1.
Variant type: single nucleotide variant.
Coding change: c.1552G>C on transcript NM_000018.4 (MANE Select); coding-DNA position 1552, G replaced by C.
Protein change: p.Gly518Arg; replaces glycine 518 with arginine.
Molecular consequence: missense variant.
Genome position (GRCh38, 1-based): chr17:7,224,340, G>C. VCF-style: chr17-7224340-G-C. GRCh37 (hg19) VCF-style: chr17-7127659-G-C.
Other names: c.1486G>C, p.Gly496Arg (NM_001033859.3); c.1621G>C, p.Gly541Arg (NM_001270447.2); c.1324G>C, p.Gly442Arg (NM_001270448.2); short protein forms G518R, G541R, G442R, G496R.
Identifiers: ClinVar variation 2107683 (VCV002107683.4), dbSNP rs374507980, ClinGen allele CA397725360.

ClinVar aggregate classification (germline): Uncertain significance (1 of 4 stars; one submission).

Conditions:
Very long chain acyl-CoA dehydrogenase deficiency (ACADVLD). Also called: Very Long-Chain Acyl-Coenzyme A Dehydrogenase Deficiency; VLCAD Deficiency. Identifiers: Orphanet 26793, MedGen C3887523, MONDO:0008723, OMIM 201475.

gnomAD v4.1: 1 of 1,613,876 alleles (0.000062%); highest among the groups gnomAD compares: Non-Finnish European, 0.000085%; no homozygotes.

Submission:

Labcorp Genetics (formerly Invitae), Labcorp
Classification: Uncertain significance for Very long chain acyl-CoA dehydrogenase deficiency. Last evaluated: 2022-03-08. Review status: criteria provided, single submitter. Criteria: Invitae Variant Classification Sherloc (09022015). Collection method: clinical testing. Allele origin: germline.
Comment: In summary, the available evidence is currently insufficient to determine the role of this variant in disease. Therefore, it has been classified as a Variant of Uncertain Significance. Advanced modeling of protein sequence and biophysical properties (such as structural, functional, and spatial information, amino acid conservation, physicochemical variation, residue mobility, and thermodynamic stability) performed at Invitae indicates that this missense variant is expected to disrupt ACADVL protein function. This variant has not been reported in the literature in individuals affected with ACADVL-related conditions. This variant is not present in population databases (gnomAD no frequency). This sequence change replaces glycine, which is neutral and non-polar, with arginine, which is basic and polar, at codon 518 of the ACADVL protein (p.Gly518Arg).